The following is an entry in ClinVar:

ClinVar aggregate classification (germline): Uncertain significance (1 of 4 stars; one submission).

Submission:

Labcorp Genetics (formerly Invitae), Labcorp
Classification: Uncertain significance. Last evaluated: 2022-04-13. Review status: criteria provided, single submitter. Criteria: Invitae Variant Classification Sherloc (09022015). Collection method: clinical testing. Allele origin: germline.
Comment: This sequence change replaces isoleucine, which is neutral and non-polar, with valine, which is neutral and non-polar, at codon 111 of the DSG1 protein (p.Ile111Val). This variant is not present in population databases (gnomAD no frequency). This variant has not been reported in the literature in individuals affected with DSG1-related conditions. Algorithms developed to predict the effect of missense changes on protein structure and function are either unavailable or do not agree on the potential impact of this missense change (SIFT: "Deleterious"; PolyPhen-2: "Possibly Damaging"; Align-GVGD: "Class C0"). In summary, the available evidence is currently insufficient to determine the role of this variant in disease. Therefore, it has been classified as a Variant of Uncertain Significance.

NM_001942.4(DSG1):c.331A>G (p.Ile111Val)

Gene: DSG1 (desmoglein 1; plus strand). Cytogenetic location: 18q12.1.
Variant type: single nucleotide variant.
Coding change: c.331A>G on transcript NM_001942.4 (MANE Select); coding-DNA position 331, A replaced by G.
Protein change: p.Ile111Val; replaces isoleucine 111 with valine.
Molecular consequence: missense variant.
Genome position (GRCh38, 1-based): chr18:31,328,303, A>G. VCF-style: chr18-31328303-A-G. GRCh37 (hg19) VCF-style: chr18-28908266-A-G.
Other names: short protein forms I111V.
Identifiers: ClinVar variation 2126033 (VCV002126033.4), dbSNP rs2511043966, ClinGen allele CA402128260.
Genomic context (GRCh38, chr18:31,328,303, plus strand): 5'-GGAATTGATCAGCCACCATATGGGATCTTTGTCATTAATCAGAAAACTGGTGAAATTAAT[A>G]TAACATCCATAGTTGATCGAGAGGTCACTCCTTTCTTCATTGTAAGTGGACTTCATGTCA-3'
Protein context (NP_001933.2, residues 101-121): VINQKTGEIN[Ile111Val]TSIVDREVTP